The following is an entry in ClinVar:

NM_177550.5(SLC13A5):c.1396G>A (p.Val466Met)

Gene: SLC13A5 (solute carrier family 13 member 5; minus strand). Cytogenetic location: 17p13.1.
Variant type: single nucleotide variant.
Coding change: c.1396G>A on transcript NM_177550.5 (MANE Select); coding-DNA position 1396, G replaced by A.
Protein change: p.Val466Met; replaces valine 466 with methionine.
Molecular consequence: missense variant.
Genome position (GRCh38, 1-based): chr17:6,690,820, C>T on the plus strand (G>A on the coding strand, the complement: SLC13A5 is on the minus strand). VCF-style: chr17-6690820-C-T. GRCh37 (hg19) VCF-style: chr17-6594139-C-T.
Other names: c.1396G>A, p.Val466Met (NM_001143838.3); c.1345G>A, p.Val449Met (NM_001284509.2); c.1267G>A, p.Val423Met (NM_001284510.2); c.1396G>A (NM_177550.3); short protein forms V423M, V466M, V449M.
Identifiers: ClinVar variation 1429814 (VCV001429814.5), dbSNP rs750791192, ClinGen allele CA8331400.
Genomic context (GRCh38, chr17:6,690,820, plus strand): 5'-CCACTGTCAGGTTACTTACCATGGAGGCAAAGATGGGCAGGAACAAGGTGGTGGTGGCCA[C>T]GTTGCTTGTGCACTCAGTGAACACGGCAACGAGCAAGGACAAGATCAAGGTGATGGCTGC-3'
Protein context (NP_808218.1, residues 456-476): VAVFTECTSN[Val466Met]ATTTLFLPIF

ClinVar aggregate classification (germline): Uncertain significance. Review status: criteria provided, multiple submitters, no conflicts (2 of 4 stars). 2 submissions from 2 submitters: Uncertain significance (2). Last evaluated 2024-12-11.

Conditions:
Inborn genetic diseases. Identifiers: MedGen C0950123, MeSH D030342.
Developmental and epileptic encephalopathy, 25 (DEE25). Also called: Epileptic encephalopathy, early infantile, 25; Developmental and epileptic encephalopathy 25, with amelogenesis imperfecta; Epileptic encephalopathy, early infantile, 25, with amelogenesis imperfecta. Identifiers: Orphanet 442835, MedGen C4014621, MONDO:0014392, OMIM 615905.

Allele frequency attached by ClinVar (database versions not stated): gnomAD exomes below 0.00001 and 0.00001; ExAC 0.00001; gnomAD 0.00001; TOPMed 0.00001.
gnomAD v4.1: 15 of 1,614,092 alleles (0.00093%); highest among the groups gnomAD compares: African/African-American, 0.0013%; no homozygotes.

Submissions (2):

Ambry Genetics
Classification: Uncertain significance for Inborn genetic diseases. Last evaluated: 2024-12-11. Review status: criteria provided, single submitter. Criteria: Ambry Variant Classification Scheme 2023. Collection method: clinical testing. Allele origin: germline.

Labcorp Genetics (formerly Invitae), Labcorp
Classification: Uncertain significance for Developmental and epileptic encephalopathy, 25. Last evaluated: 2022-08-23. Review status: criteria provided, single submitter. Criteria: Invitae Variant Classification Sherloc (09022015). Collection method: clinical testing. Allele origin: germline.
Comment: This sequence change replaces valine, which is neutral and non-polar, with methionine, which is neutral and non-polar, at codon 466 of the SLC13A5 protein (p.Val466Met). This variant is present in population databases (rs750791192, gnomAD 0.002%). This variant has not been reported in the literature in individuals affected with SLC13A5-related conditions. ClinVar contains an entry for this variant (Variation ID: 1429814). Algorithms developed to predict the effect of missense changes on protein structure and function are either unavailable or do not agree on the potential impact of this missense change (SIFT: "Deleterious"; PolyPhen-2: "Benign"; Align-GVGD: "Class C0"). In summary, the available evidence is currently insufficient to determine the role of this variant in disease. Therefore, it has been classified as a Variant of Uncertain Significance.